The following is an entry in ClinVar:

NM_001080467.3(MYO5B):c.2248G>C (p.Ala750Pro)

Gene: MYO5B (myosin VB; minus strand). Cytogenetic location: 18q21.1.
Variant type: single nucleotide variant.
Coding change: c.2248G>C on transcript NM_001080467.3 (MANE Select); coding-DNA position 2248, G replaced by C.
Protein change: p.Ala750Pro; replaces alanine 750 with proline.
Molecular consequence: missense variant.
Genome position (GRCh38, 1-based): chr18:49,906,585, C>G on the plus strand (G>C on the coding strand, the complement: MYO5B is on the minus strand). VCF-style: chr18-49906585-C-G. GRCh37 (hg19) VCF-style: chr18-47432955-C-G.
Other names: short protein forms A750P.
Identifiers: ClinVar variation 1923338 (VCV001923338.5), dbSNP rs759393452, ClinGen allele CA8961145.

ClinVar aggregate classification (germline): Uncertain significance (1 of 4 stars; one submission).

Allele frequency attached by ClinVar (database versions not stated): gnomAD exomes below 0.00001; ExAC 0.00001; gnomAD 0.00004; TOPMed 0.00004.
gnomAD v4.1: 9 of 1,614,018 alleles (0.00056%); highest among the groups gnomAD compares: African/African-American, 0.011%; no homozygotes.

Submission:

Labcorp Genetics (formerly Invitae), Labcorp
Classification: Uncertain significance. Last evaluated: 2024-10-26. Review status: criteria provided, single submitter. Criteria: Invitae Variant Classification Sherloc (09022015). Collection method: clinical testing. Allele origin: germline.
Comment: This sequence change replaces alanine, which is neutral and non-polar, with proline, which is neutral and non-polar, at codon 750 of the MYO5B protein (p.Ala750Pro). This variant is present in population databases (rs759393452, gnomAD 0.01%). This variant has not been reported in the literature in individuals affected with MYO5B-related conditions. ClinVar contains an entry for this variant (Variation ID: 1923338). Invitae Evidence Modeling of protein sequence and biophysical properties (such as structural, functional, and spatial information, amino acid conservation, physicochemical variation, residue mobility, and thermodynamic stability) indicates that this missense variant is expected to disrupt MYO5B protein function with a positive predictive value of 80%. In summary, the available evidence is currently insufficient to determine the role of this variant in disease. Therefore, it has been classified as a Variant of Uncertain Significance.